The following is an entry in ClinVar:

NM_000095.3(COMP):c.762+5G>A

Gene: COMP (cartilage oligomeric matrix protein; minus strand). Cytogenetic location: 19p13.11.
Variant type: single nucleotide variant.
Coding change: c.762+5G>A on transcript NM_000095.3 (MANE Select); 5 bases into the intron after coding-DNA position 762, G replaced by A.
Molecular consequence: intron variant.
Genome position (GRCh38, 1-based): chr19:18,788,587, C>T on the plus strand (G>A on the coding strand, the complement: COMP is on the minus strand). VCF-style: chr19-18788587-C-T. GRCh37 (hg19) VCF-style: chr19-18899396-C-T.
Identifiers: ClinVar variation 3664278 (VCV003664278.2).

ClinVar aggregate classification (germline): Uncertain significance (1 of 4 stars; one submission).

gnomAD v4.1: 1 of 1,555,866 alleles (0.000064%); highest among the groups gnomAD compares: Non-Finnish European, 0.000087%; no homozygotes.

Submission:

Labcorp Genetics (formerly Invitae), Labcorp
Classification: Uncertain significance. Last evaluated: 2024-09-02. Review status: criteria provided, single submitter. Criteria: Invitae Variant Classification Sherloc (09022015). Collection method: clinical testing. Allele origin: germline.
Comment: This sequence change falls in intron 7 of the COMP gene. It does not directly change the encoded amino acid sequence of the COMP protein. It affects a nucleotide within the consensus splice site. This variant is not present in population databases (gnomAD no frequency). This variant has not been reported in the literature in individuals affected with COMP-related conditions. Variants that disrupt the consensus splice site are a relatively common cause of aberrant splicing (PMID: 17576681, 9536098). Algorithms developed to predict the effect of sequence changes on RNA splicing suggest that this variant may disrupt the consensus splice site. In summary, the available evidence is currently insufficient to determine the role of this variant in disease. Therefore, it has been classified as a Variant of Uncertain Significance.

Literature cited by the submitters: PubMed 17576681; PubMed 9536098.